The following is an entry in ClinVar:

NM_003743.5(NCOA1):c.2122G>A (p.Glu708Lys)

Gene: NCOA1 (nuclear receptor coactivator 1; plus strand). Cytogenetic location: 2p23.3.
Variant type: single nucleotide variant.
Coding change: c.2122G>A on transcript NM_003743.5 (MANE Select); coding-DNA position 2122, G replaced by A.
Protein change: p.Glu708Lys; replaces glutamic acid 708 with lysine.
Molecular consequence: missense variant.
Genome position (GRCh38, 1-based): chr2:24,707,592, G>A. VCF-style: chr2-24707592-G-A. GRCh37 (hg19) VCF-style: chr2-24930461-G-A.
Other names: c.2122G>A, p.Glu708Lys (NM_001362950.1, NM_001362952.1, NM_001362954.1 and 3 more transcripts); short protein forms E708K.
Identifiers: ClinVar variation 4982374 (VCV004982374.1).

ClinVar aggregate classification (germline): Likely benign (1 of 4 stars; one submission).

Conditions:
NCOA1-related disorder. Also called: NCOA1-related condition.

gnomAD v4.1: 96 of 1,613,952 alleles (0.0059%); highest among the groups gnomAD compares: East Asian, 0.0022%; no homozygotes.

Submission:

PreventionGenetics, part of Exact Sciences
Classification: Likely benign for NCOA1-related condition. Last evaluated: 2025-08-11. Review status: criteria provided, single submitter. Criteria: ACMG Guidelines, 2015. Collection method: clinical testing. Allele origin: germline.
Comment: This variant is classified as likely benign based on ACMG/AMP sequence variant interpretation guidelines (Richards et al. 2015 PMID: 25741868, with internal and published modifications).